The following is an entry in ClinVar:

ClinVar aggregate classification (germline): Likely pathogenic (1 of 4 stars; one submission).

Submission:

GeneDx
Classification: Likely pathogenic. Last evaluated: 2017-02-06. Review status: criteria provided, single submitter. Criteria: GeneDx Variant Classification (06012015). Collection method: clinical testing. Allele origin: germline. Affected: yes.
Comment: The c.2407_*5del20insCCCTG likely pathogenic variant in the FGFR3 gene causes a frameshift starting with codon Glycine 803, changes this amino acid to a Proline residue and creates a Stop codon at position 101 of the new reading frame, denoted p.Gly803ProfsX101. This variant is predicted to result in protein elongation as the last four amino acids are replaced by 100 aberrant amino acids. It was not observed in approximately 6,500 individuals of European and African American ancestry in the NHLBI Exome Sequencing Project. Although this variant has not been previously reported to our knowledge, its presence is consistent with the diagnosis of an FGFR3-related skeletal dysplasia. This variant has been observed apparently de novo.

NM_000142.5(FGFR3):c.2407_*5delinsCCCTG (p.Gly803_Ter807delinsProXaa)

Gene: FGFR3 (fibroblast growth factor receptor 3; plus strand). Cytogenetic location: 4p16.3.
Variant type: Indel.
Coding change: c.2407_*5delinsCCCTG on transcript NM_000142.5 (MANE Select); coding-DNA position 2407 through 5 bases downstream of the stop codon, GGCTCGCGGACGTGAAGGGC replaced by CCCTG.
Protein change: p.Gly803_Ter807delinsProXaa.
Molecular consequence: stop lost. On other transcripts: inframe indel (1), non-coding transcript variant (1).
Genome position (GRCh38, 1-based): chr4:1,807,248-1,807,267, GGCTCGCGGACGTGAAGGGC replaced by CCCTG. VCF-style: chr4-1807248-GGCTCGCGGACGTGAAGGGC-CCCTG. GRCh37 (hg19) VCF-style: chr4-1808975-GGCTCGCGGACGTGAAGGGC-CCCTG.
Other names: c.2413_*5delinsCCCTG, p.Gly805_Ter809delinsProXaa (NM_001163213.2); c.2410_*5delinsCCCTG, p.Gly804_Ter808delinsProXaa (NM_001354809.2); c.2339_2358delinsCCCTG, p.Gly780_Gly786delinsAlaLeu (NM_001354810.2); c.2071_*5delinsCCCTG, p.Gly691_Ter695delinsProXaa (NM_022965.4).
Identifiers: ClinVar variation 423158 (VCV000423158.1), dbSNP rs1064796266, ClinGen allele CA16618038.